The following is an entry in ClinVar:

GRCh37/hg19 8p23.3-23.1(chr8:10501-7214947)x1

Genes: AGPAT5 (1-acylglycerol-3-phosphate O-acyltransferase 5; plus strand), ANGPT2 (angiopoietin 2; minus strand), ARHGEF10 (Rho guanine nucleotide exchange factor 10; plus strand), CLN8 (CLN8 transmembrane ER and ERGIC protein; plus strand), CSMD1 (CUB and Sushi multiple domains 1; minus strand) and 19 more. Cytogenetic location: 8p23.3-23.1.
Variant type: copy number loss.
Change: copy number 1 (one copy instead of two) of chr8:10,501-7,214,947 (7.20 Mb, GRCh37 coordinates, 1-based), cytogenetic band 8p23.3-23.1.
Identifiers: ClinVar variation 1330178 (VCV001330178.1).

ClinVar aggregate classification (germline): Pathogenic (1 of 4 stars; one submission).

Conditions:
Brachycephaly. Identifiers: Orphanet 35099, MedGen C0221356, HP:0000248.
Small hand. Also called: Small hands. Identifiers: MedGen C0575802, HP:0200055.
Short foot. Identifiers: MedGen C1848673, HP:0001773.
Mild global developmental delay. Identifiers: MedGen C4012968, HP:0011342.
Large for gestational age. Identifiers: MedGen C1848395, HP:0001520.
Obesity. Also called: Obesity disorder. Identifiers: Orphanet 71529, MedGen C0028754, MeSH D009765, MONDO:0011122, HP:0001513.
Single transverse palmar crease. Identifiers: MedGen C0424731, HP:0000954.

Submission:

Institute of Human Genetics, University of Leipzig Medical Center
Classification: Pathogenic for Brachycephaly; Single transverse palmar crease; Obesity; Large for gestational age; Short foot; Mild global developmental delay; Small hand. Last evaluated: 2021-08-30. Review status: criteria provided, single submitter. Criteria: ACMG/ClinGen CNV Guidelines, 2019. Collection method: clinical testing. Allele origin: unknown. Affected: yes.
Comment: Observed as a probable unbalanced translocation with 12p12.33